The following is an entry in ClinVar:

NM_007198.4(PLPBP):c.350T>C (p.Val117Ala)

Gene: PLPBP (pyridoxal phosphate binding protein; plus strand). Cytogenetic location: 8p11.23.
Variant type: single nucleotide variant.
Coding change: c.350T>C on transcript NM_007198.4 (MANE Select); coding-DNA position 350, T replaced by C.
Protein change: p.Val117Ala; replaces valine 117 with alanine.
Molecular consequence: missense variant.
Genome position (GRCh38, 1-based): chr8:37,772,785, T>C. VCF-style: chr8-37772785-T-C. GRCh37 (hg19) VCF-style: chr8-37630303-T-C.
Other names: c.350T>C, p.Val117Ala (NM_001349346.2); c.344T>C, p.Val115Ala (NM_001349347.2); c.194T>C, p.Val65Ala (NM_001349348.2); short protein forms V115A, V117A, V65A.
Identifiers: ClinVar variation 3618229 (VCV003618229.2).

ClinVar aggregate classification (germline): Uncertain significance (1 of 4 stars; one submission).

gnomAD v4.1: 2 of 1,614,194 alleles (0.00012%); highest among the groups gnomAD compares: Admixed American, 0.0017%; no homozygotes.

Submission:

Labcorp Genetics (formerly Invitae), Labcorp
Classification: Uncertain significance. Last evaluated: 2024-06-26. Review status: criteria provided, single submitter. Criteria: Invitae Variant Classification Sherloc (09022015). Collection method: clinical testing. Allele origin: germline.
Comment: This sequence change replaces valine, which is neutral and non-polar, with alanine, which is neutral and non-polar, at codon 117 of the PROSC protein (p.Val117Ala). This variant is present in population databases (no rsID available, gnomAD 0.003%). This variant has not been reported in the literature in individuals affected with PROSC-related conditions. Advanced modeling of protein sequence and biophysical properties (such as structural, functional, and spatial information, amino acid conservation, physicochemical variation, residue mobility, and thermodynamic stability) performed at Invitae indicates that this missense variant is not expected to disrupt PROSC protein function with a negative predictive value of 80%. In summary, the available evidence is currently insufficient to determine the role of this variant in disease. Therefore, it has been classified as a Variant of Uncertain Significance.